The following is an entry in ClinVar:

NM_001358530.2(MOCS1):c.938G>T (p.Gly313Val)

Gene: MOCS1 (molybdenum cofactor synthesis 1; minus strand). Cytogenetic location: 6p21.2.
Variant type: single nucleotide variant.
Coding change: c.938G>T on transcript NM_001358530.2 (MANE Select); coding-DNA position 938, G replaced by T.
Protein change: p.Gly313Val; replaces glycine 313 with valine.
Molecular consequence: missense variant. On other transcripts: non-coding transcript variant (1).
Genome position (GRCh38, 1-based): chr6:39,912,307, C>A on the plus strand (G>T on the coding strand, the complement: MOCS1 is on the minus strand). VCF-style: chr6-39912307-C-A. GRCh37 (hg19) VCF-style: chr6-39880051-C-A.
Other names: c.938G>T, p.Gly313Val (NM_001075098.4, NM_001358529.2, NM_005943.6); c.677G>T, p.Gly226Val (NM_001358531.2, NM_001358533.2, NM_001358534.2); short protein forms G226V, G313V.
Identifiers: ClinVar variation 1049726 (VCV001049726.1), dbSNP rs2149402889, ClinGen allele CA364043045.

ClinVar aggregate classification (germline): Uncertain significance (0 of 4 stars; one submission).

Submission:

Department of Pathology and Laboratory Medicine, Sinai Health System
Classification: Uncertain significance. Review status: no assertion criteria provided. Collection method: clinical testing. Allele origin: unknown. Affected: yes. Study: The Canadian Open Genetics Repository (COGR).
Comment: The MOCS1 p.Gly313Val variant was not identified in the literature nor was it identified in dbSNP, ClinVar, Cosmic, LOVD 3.0 or in the following control databases: the 1000 Genomes Project, the NHLBI GO Exome Sequencing Project, the Exome Aggregation Consortium (August 8th 2016), or the Genome Aggregation Database (Feb 27, 2017).The p.Gly313 residue is conserved in mammals but not in more distantly related organisms, and four out of five computational analyses (PolyPhen-2, SIFT, BLOSUM, MutationTaster) suggest that the variant may impact the protein; however, this information is not predictive enough to assume pathogenicity. The variant occurs outside of the splicing consensus sequence and in silico or computational prediction software programs (SpliceSiteFinder, MaxEntScan, NNSPLICE, GeneSplicer) do not predict a difference in splicing. In summary, based on the above information the clinical significance of this variant cannot be determined with certainty at this time. This variant is classified as a variant of uncertain significance.